The following is an entry in ClinVar:

NM_139137.4(KCNC2):c.637C>T (p.Pro213Ser)

Gene: KCNC2 (potassium voltage-gated channel subfamily C member 2; minus strand). Cytogenetic location: 12q21.1.
Variant type: single nucleotide variant.
Coding change: c.637C>T on transcript NM_139137.4 (MANE Select); coding-DNA position 637, C replaced by T.
Protein change: p.Pro213Ser; replaces proline 213 with serine.
Molecular consequence: missense variant.
Genome position (GRCh38, 1-based): chr12:75,207,347, G>A on the plus strand (C>T on the coding strand, the complement: KCNC2 is on the minus strand). VCF-style: chr12-75207347-G-A. GRCh37 (hg19) VCF-style: chr12-75601127-G-A.
Other names: c.637C>T, p.Pro213Ser (NM_001260497.2, NM_001260498.2, NM_001260499.2 and 13 more transcripts); short protein forms P213S.
Identifiers: ClinVar variation 2442599 (VCV002442599.1), dbSNP rs2548167149, ClinGen allele CA385785475.

ClinVar aggregate classification (germline): Uncertain significance (1 of 4 stars; one submission).

Submission:

GeneDx
Classification: Uncertain significance. Last evaluated: 2022-08-31. Review status: criteria provided, single submitter. Criteria: GeneDx Variant Classification Process June 2021. Collection method: clinical testing. Allele origin: germline. Affected: yes.
Comment: Not observed at significant frequency in large population cohorts (gnomAD); In silico analysis supports that this missense variant has a deleterious effect on protein structure/function; Has not been previously published as pathogenic or benign to our knowledge